The following is an entry in ClinVar:

NM_005993.5(TBCD):c.30C>T (p.Gly10=)

Gene: TBCD (tubulin folding cofactor D). Cytogenetic location: 17q25.3.
Variant type: single nucleotide variant.
Coding change: c.30C>T on transcript NM_005993.5 (MANE Select); coding-DNA position 30, C replaced by T.
Protein change: p.Gly10=; no amino-acid change (glycine 10 retained).
Molecular consequence: synonymous variant.
Genome position (GRCh38, 1-based): chr17:82,752,223, C>T. VCF-style: chr17-82752223-C-T. GRCh37 (hg19) VCF-style: chr17-80710099-C-T.
Other names: p.Gly10=.
Identifiers: ClinVar variation 1570656 (VCV001570656.11), dbSNP rs11550067, ClinGen allele CA8861497.

ClinVar aggregate classification (germline): Benign/Likely benign. Review status: criteria provided, multiple submitters, no conflicts (2 of 4 stars). 4 submissions from 4 submitters: Benign (3); Likely benign (1). Last evaluated 2026-02-01.

Allele frequency attached by ClinVar (database versions not stated): 1000 Genomes Project 0.00739; 1000 Genomes Project 30x 0.00843; ESP Exome Variant Server 0.01117; ExAC 0.01277; TOPMed 0.01302; gnomAD 0.01527 and 0.01560; gnomAD exomes 0.01637 and 0.02088.
gnomAD v4.1: 30,745 of 1,524,226 alleles (2%); highest among the groups gnomAD compares: East Asian, 4.3%; 377 homozygotes.

Submissions (4):

Labcorp Genetics (formerly Invitae), Labcorp
Classification: Benign. Last evaluated: 2026-02-01. Review status: criteria provided, single submitter. Criteria: Invitae Variant Classification Sherloc (09022015). Collection method: clinical testing. Allele origin: germline.

Blueprint Genetics
Classification: Likely benign. Last evaluated: 2024-11-27. Review status: criteria provided, single submitter. Criteria: ACMG Guidelines, 2015. Collection method: clinical testing. Allele origin: germline.

Mayo Clinic Laboratories, Mayo Clinic
Classification: Benign. Last evaluated: 2022-12-23. Review status: criteria provided, single submitter. Criteria: ACMG Guidelines, 2015. Collection method: clinical testing. Allele origin: germline. Observed: 6 variant alleles.
Comment: BS1, BS2, BP4, BP7

Breakthrough Genomics
Classification: Benign. Review status: criteria provided, single submitter. Criteria: ACMG Guidelines, 2015. Collection method: not provided. Allele origin: germline. Inheritance: Autosomal recessive inheritance. Affected: yes.